The following is an entry in ClinVar:

ClinVar aggregate classification (germline): Benign (1 of 4 stars; one submission).

Conditions:
Familial cancer of breast. Also called: Hereditary breast cancer; BREAST CANCER, FAMILIAL; hereditary breast carcinoma. Identifiers: Orphanet 227535, MedGen C0346153, MONDO:0016419, OMIM 114480. Disease mechanism: loss of function.

Submission:

Myriad Genetics, Inc.
Classification: Benign for Familial cancer of breast. Last evaluated: 2024-10-04. Review status: criteria provided, single submitter. Criteria: Myriad Autosomal Dominant, Autosomal Recessive and X-Linked Classification Criteria (2023). Collection method: clinical testing. Allele origin: unknown.
Comment: This variant is considered benign. This variant is a silent/synonymous amino acid change and it is not expected to impact splicing.

NM_007194.4(CHEK2):c.987C>T (p.Tyr329=)

Gene: CHEK2 (checkpoint kinase 2; minus strand). Cytogenetic location: 22q12.1.
Variant type: single nucleotide variant.
Coding change: c.987C>T on transcript NM_007194.4 (MANE Select); coding-DNA position 987, C replaced by T.
Protein change: p.Tyr329=; no amino-acid change (tyrosine 329 retained).
Molecular consequence: synonymous variant.
Genome position (GRCh38, 1-based): chr22:28,699,859, G>A on the plus strand (C>T on the coding strand, the complement: CHEK2 is on the minus strand). VCF-style: chr22-28699859-G-A. GRCh37 (hg19) VCF-style: chr22-29095847-G-A.
Other names: c.1116C>T, p.Tyr372= (NM_001005735.3); c.324C>T, p.Tyr108= (NM_001257387.3); c.786C>T, p.Tyr262= (NM_001349956.3); c.987C>T, p.Tyr329= (NM_145862.3).
Identifiers: ClinVar variation 3772795 (VCV003772795.1).